The following is an entry in ClinVar:

ClinVar aggregate classification (germline): Pathogenic. Review status: criteria provided, multiple submitters, no conflicts (2 of 4 stars). 2 submissions from 2 submitters: Pathogenic (2). Last evaluated 2025-05-12.

Conditions:
Pseudohypoaldosteronism, type IB1, autosomal recessive. Also called: Pseudohypoaldosteronism, Type I, Autosomal Recessive; PHA I, AUTOSOMAL RECESSIVE; Autosomal recessive pseudohypoaldosteronism type 1; Pseudohypoaldosteronism, Type I, Recessive. Identifiers: Orphanet 171876, Orphanet 756, MedGen C5774176, MONDO:0009917, OMIM 264350.

Submissions (2):

Department of Human Genetics, Hannover Medical School
Classification: Pathogenic for Pseudohypoaldosteronism, type IB1, autosomal recessive. Last evaluated: 2025-05-12. Review status: criteria provided, single submitter. Criteria: ACMG Guidelines, 2015. Collection method: clinical testing. Allele origin: germline. Inheritance: Autosomal recessive inheritance. Affected: yes.
Comment: ACMG: PVS1, PM2_Supporting, PM3, PP4_Strong

3billion
Classification: Pathogenic for Pseudohypoaldosteronism, type IB1, autosomal recessive. Last evaluated: 2022-03-22. Review status: criteria provided, single submitter. Criteria: ACMG Guidelines, 2015. Collection method: clinical testing. Allele origin: germline. Affected: yes. Observed: 1 homozygote.
Comment: Canonical splice site: predicted to alter splicing and result in a loss or disruption of normal protein function through nonsense-mediated decay (NMD) or protein truncation. Multiple pathogenic variants are reported downstream of the variant.It is not observed in the gnomAD v2.1.1 dataset. Patient's phenotype is considered compatibel with Pseudohypoaldosteronism, type I. Therefore, this variant is classified as pathogenic according to the recommendation of ACMG/AMP guideline.

NM_001038.6(SCNN1A):c.1360+2T>G

Gene: SCNN1A (sodium channel epithelial 1 subunit alpha; minus strand). Cytogenetic location: 12p13.31.
Variant type: single nucleotide variant.
Coding change: c.1360+2T>G on transcript NM_001038.6 (MANE Select); the canonical splice donor site of the intron after coding-DNA position 1360, T replaced by G.
Molecular consequence: splice donor variant.
Genome position (GRCh38, 1-based): chr12:6,354,436, A>C on the plus strand (T>G on the coding strand, the complement: SCNN1A is on the minus strand). VCF-style: chr12-6354436-A-C. GRCh37 (hg19) VCF-style: chr12-6463602-A-C.
Other names: c.1429+2T>G (NM_001159575.2); c.1537+2T>G (NM_001159576.2).
Identifiers: ClinVar variation 1526188 (VCV001526188.2), dbSNP rs2136865918, ClinGen allele CA383554731.